The following is an entry in ClinVar:

NM_000384.3(APOB):c.6548A>G (p.Gln2183Arg)

Gene: APOB (apolipoprotein B; minus strand). Cytogenetic location: 2p24.1.
Variant type: single nucleotide variant.
Coding change: c.6548A>G on transcript NM_000384.3 (MANE Select); coding-DNA position 6548, A replaced by G.
Protein change: p.Gln2183Arg; replaces glutamine 2183 with arginine.
Molecular consequence: missense variant.
Genome position (GRCh38, 1-based): chr2:21,010,320, T>C on the plus strand (A>G on the coding strand, the complement: APOB is on the minus strand). VCF-style: chr2-21010320-T-C. GRCh37 (hg19) VCF-style: chr2-21233192-T-C.
Other names: short protein forms Q2183R.
Identifiers: ClinVar variation 2499746 (VCV002499746.3), dbSNP rs748579167, ClinGen allele CA346001511.

ClinVar aggregate classification (germline): Uncertain significance. Review status: criteria provided, multiple submitters, no conflicts (2 of 4 stars). 3 submissions from 3 submitters: Uncertain significance (3). Last evaluated 2026-03-31.

Conditions:
Cardiovascular phenotype. Identifiers: MedGen CN230736.
Familial hypobetalipoproteinemia 1. Also called: Hypobetalipoproteinemia, normotriglyceridemic; Acanthocytosis with hypobetalipoproteinemia; APOB-Related Familial Hypobetalipoproteinemia. Identifiers: MedGen C4551990, MONDO:0014252, OMIM 615558.
Hypercholesterolemia, autosomal dominant, type B (FHCL2). Also called: Familial Hypercholesterolemia Type B; APOLIPOPROTEIN B-100, FAMILIAL DEFECTIVE; APOLIPOPROTEIN B-100, FAMILIAL LIGAND-DEFECTIVE; HYPERCHOLESTEROLEMIA, FAMILIAL, DUE TO LIGAND-DEFECTIVE APOLIPOPROTEIN B; Hyperlipoproteinemia Type IIb; Familial hypercholesterolemia 2. Identifiers: MedGen C1704417, MONDO:0007751, OMIM 144010.

Allele frequency attached by ClinVar (database versions not stated): TOPMed 0.00001.
gnomAD v4.1: 54 of 1,554,036 alleles (0.0035%); highest among the groups gnomAD compares: Non-Finnish European, 0.0042%; no homozygotes.

Submissions (3):

Ambry Genetics
Classification: Uncertain significance for Cardiovascular phenotype. Last evaluated: 2026-03-31. Review status: criteria provided, single submitter. Criteria: Ambry Variant Classification Scheme 2023. Collection method: clinical testing. Allele origin: germline.
Comment: The c.6548A>G (p.Q2183R) alteration is located in exon 26 (coding exon 26) of the APOB gene. This alteration results from a A to G substitution at nucleotide position 6548, causing the glutamine (Q) at amino acid position 2183 to be replaced by an arginine (R). Based on data from gnomAD, the G allele has an overall frequency of 0.001% (2/208870) total alleles studied. The highest observed frequency was 0.002% (2/99746) of European (non-Finnish) alleles. Based on insufficient or conflicting evidence, the clinical significance of this alteration remains unclear.

Labcorp Genetics (formerly Invitae), Labcorp
Classification: Uncertain significance for Familial hypobetalipoproteinemia 1; Hypercholesterolemia, autosomal dominant, type B. Last evaluated: 2026-01-13. Review status: criteria provided, single submitter. Criteria: Invitae Variant Classification Sherloc (09022015). Collection method: clinical testing. Allele origin: germline.
Comment: This sequence change replaces glutamine, which is neutral and polar, with arginine, which is basic and polar, at codon 2183 of the APOB protein (p.Gln2183Arg). This variant is present in population databases (no rsID available, gnomAD 0.002%). This variant has not been reported in the literature in individuals affected with APOB-related conditions. ClinVar contains an entry for this variant (Variation ID: 2499746). Invitae Evidence Modeling of protein sequence and biophysical properties (such as structural, functional, and spatial information, amino acid conservation, physicochemical variation, residue mobility, and thermodynamic stability) indicates that this missense variant is not expected to disrupt APOB protein function with a negative predictive value of 95%. In summary, the available evidence is currently insufficient to determine the role of this variant in disease. Therefore, it has been classified as a Variant of Uncertain Significance.

GeneDx
Classification: Uncertain significance. Last evaluated: 2022-10-20. Review status: criteria provided, single submitter. Criteria: GeneDx Variant Classification Process June 2021. Collection method: clinical testing. Allele origin: germline. Affected: yes.
Comment: Has not been previously published as pathogenic or benign to our knowledge; Not observed at significant frequency in large population cohorts (gnomAD); In silico analysis supports that this missense variant does not alter protein structure/function